The following is an entry in ClinVar:

ClinVar aggregate classification (germline): Likely benign. Review status: criteria provided, multiple submitters, no conflicts (2 of 4 stars). 2 submissions from 2 submitters: Likely benign (2). Last evaluated 2026-02-03.

Allele frequency attached by ClinVar (database versions not stated): ESP Exome Variant Server 0.00154; 1000 Genomes Project 0.00160; 1000 Genomes Project 30x 0.00203; gnomAD exomes 0.00011; ExAC 0.00044; gnomAD 0.00106; TOPMed 0.00129.
gnomAD v4.1: 322 of 1,594,250 alleles (0.02%); highest among the groups gnomAD compares: African/African-American, 0.39%; no homozygotes.

Submissions (2):

Women's Health and Genetics/Laboratory Corporation of America, LabCorp
Classification: Likely benign. Last evaluated: 2026-02-03. Review status: criteria provided, single submitter. Criteria: LabCorp Variant Classification Summary - May 2015. Collection method: clinical testing. Allele origin: germline.
Comment: Variant summary: PSMG2 c.623C>A (p.Thr208Lys) results in a non-conservative amino acid change in the encoded protein sequence. Algorithms developed to predict the effect of missense changes on protein structure and function are either unavailable or do not agree on the potential impact of this missense change. The variant allele was found at a frequency of 0.00034 in 250252 control chromosomes, predominantly at a frequency of 0.0046 within the African or African-American subpopulation in the gnomAD database. The observed variant frequency within African or African-American control individuals in the gnomAD database exceeds the estimated maximal expected allele frequency for disease-causing variants in PSMG2. To our knowledge, no occurrence of c.623C>A in individuals affected with PSMG2-related conditions and no experimental evidence demonstrating its impact on protein function have been reported. ClinVar contains an entry for this variant (Variation ID: 2040764). Based on the evidence outlined above, the variant was classified as likely benign.

Labcorp Genetics (formerly Invitae), Labcorp
Classification: Likely benign. Last evaluated: 2025-11-01. Review status: criteria provided, single submitter. Criteria: Invitae Variant Classification Sherloc (09022015). Collection method: clinical testing. Allele origin: germline.

NM_020232.5(PSMG2):c.716C>A (p.Thr239Lys)

Gene: PSMG2 (proteasome assembly chaperone 2; plus strand). Cytogenetic location: 18p11.21.
Variant type: single nucleotide variant.
Coding change: c.716C>A on transcript NM_020232.5 (MANE Select); coding-DNA position 716, C replaced by A.
Protein change: p.Thr239Lys; replaces threonine 239 with lysine.
Molecular consequence: missense variant.
Genome position (GRCh38, 1-based): chr18:12,725,452, C>A. VCF-style: chr18-12725452-C-A. GRCh37 (hg19) VCF-style: chr18-12725451-C-A.
Other names: c.623C>A, p.Thr208Lys (NM_147163.2); short protein forms T208K, T239K.
Identifiers: ClinVar variation 2040764 (VCV002040764.5), dbSNP rs150799705, ClinGen allele CA8898498.